The following is an entry in ClinVar:

ClinVar aggregate classification (germline): Uncertain significance (1 of 4 stars; one submission).

Conditions:
BBS4-related disorder. Also called: BBS4-related condition.

Submission:

PreventionGenetics, part of Exact Sciences
Classification: Uncertain significance for BBS4-related condition. Last evaluated: 2026-03-04. Review status: criteria provided, single submitter. Criteria: ACMG Guidelines, 2015. Collection method: clinical testing. Allele origin: germline.
Comment: The BBS4 c.571_573delTAC variant is predicted to result in an in-frame deletion (p.Tyr191del). To our knowledge, this variant has not been reported in the literature or in a large population database (gnomAD), indicating this variant is rare. At this time, the clinical significance of this variant is uncertain due to the absence of conclusive functional and genetic evidence.

NM_033028.5(BBS4):c.571_573del (p.Tyr191del)

Gene: BBS4 (Bardet-Biedl syndrome 4; plus strand). Cytogenetic location: 15q24.1.
Variant type: Deletion.
Coding change: c.571_573del on transcript NM_033028.5 (MANE Select); coding-DNA positions 571 to 573, 3 bases deleted (TAC; older notation c.571_573delTAC).
Protein change: p.Tyr191del; deletes tyrosine 191.
Molecular consequence: inframe deletion. On other transcripts: non-coding transcript variant (2).
Genome position (GRCh38, 1-based): chr15:72,724,639-72,724,641, TAC deleted; deleting any 3 consecutive bases within chr15:72,724,638-72,724,641 gives the same sequence; the c. name uses the placement nearest the transcript's 3' end. VCF-style (leftmost placement, unchanged base first): chr15-72724637-TCTA-T. GRCh37 (hg19) VCF-style: chr15-73016978-TCTA-T.
Other names: c.55_57del, p.Tyr19del (NM_001252678.2); c.571_573del, p.Tyr191del (NM_001320665.2); short protein forms Y19del, Y191del.
Identifiers: ClinVar variation 4995526 (VCV004995526.1).